The following is an entry in ClinVar:

ClinVar aggregate classification (germline): Pathogenic (1 of 4 stars; one submission).

Submission:

Labcorp Genetics (formerly Invitae), Labcorp
Classification: Pathogenic. Last evaluated: 2019-02-28. Review status: criteria provided, single submitter. Criteria: Invitae Variant Classification Sherloc (09022015). Collection method: clinical testing. Allele origin: germline.
Comment: This variant has not been reported in the literature in individuals with ADGRG1-related conditions. For these reasons, this variant has been classified as Pathogenic. Loss-of-function variants in ADGRG1 are known to be pathogenic (PMID: 15044805, 20929962). This variant is not present in population databases (ExAC no frequency). This sequence change creates a premature translational stop signal (p.Tyr558*) in the ADGRG1 gene. It is expected to result in an absent or disrupted protein product.

Literature cited by the submitters: PubMed 15044805; PubMed 20929962.

NM_201525.4(ADGRG1):c.1656C>A (p.Tyr552Ter)

Gene: ADGRG1 (adhesion G protein-coupled receptor G1; plus strand). Cytogenetic location: 16q21.
Variant type: single nucleotide variant.
Coding change: c.1656C>A on transcript NM_201525.4 (MANE Select); coding-DNA position 1656, C replaced by A.
Protein change: p.Tyr552Ter; replaces tyrosine 552 with a stop codon.
Molecular consequence: nonsense.
Genome position (GRCh38, 1-based): chr16:57,660,868, C>A. VCF-style: chr16-57660868-C-A. GRCh37 (hg19) VCF-style: chr16-57694780-C-A.
Other names: c.1656C>A, p.Tyr552Ter (NM_001145770.3, NM_001145772.3, NM_001145774.3 and 7 more transcripts); c.1674C>A, p.Tyr558Ter (NM_001145771.3, NM_001370428.1, NM_001370429.1 and 4 more transcripts); c.1671C>A, p.Tyr557Ter (NM_001145773.3, NM_001370433.1, NM_001370434.1); c.1164C>A, p.Tyr388Ter (NM_001290142.2); c.1149C>A, p.Tyr383Ter (NM_001290143.2); c.1131C>A, p.Tyr377Ter (NM_001290144.2, NM_001370451.1, NM_001370453.1 and 1 more transcripts); c.1653C>A, p.Tyr551Ter (NM_001370441.1); c.1500C>A, p.Tyr500Ter (NM_001370442.1); short protein forms Y551*, Y558*, Y383*, Y388*, Y557*, Y377*, Y552*, Y500*.
Identifiers: ClinVar variation 859444 (VCV000859444.7), dbSNP rs2046921766, ClinGen allele CA396052024.
Genomic context (GRCh38, chr16:57,660,868, plus strand): 5'-TGTGGACAACTATGGCCCCATCATCTTGGCTGTGCATAGGACTCCAGAGGGCGTCATCTA[C>A]CCTTCCATGTGAGTGGCTGTGTGCAATGGGGGCAAGAAGGTGGGTCTCTGGGCACAGAGG-3'